The following is an entry in ClinVar:

ClinVar aggregate classification (germline): Uncertain significance. Review status: criteria provided, multiple submitters, no conflicts (2 of 4 stars). 3 submissions from 3 submitters: Uncertain significance (2). 1 of the submissions does not count toward it. Last evaluated 2024-10-29.

Conditions:
Nemaline myopathy 2 (NEM2). Also called: Nemaline myopathy 2, autosomal recessive. Identifiers: MedGen C1850569, MONDO:0009725, OMIM 256030.

Submissions (3):

Revvity Omics, Revvity
Classification: Uncertain significance. Last evaluated: 2024-10-29. Review status: criteria provided, single submitter. Criteria: ACMG Guidelines, 2015. Collection method: clinical testing. Allele origin: germline.

Labcorp Genetics (formerly Invitae), Labcorp
Classification: Uncertain significance for Nemaline myopathy 2. Last evaluated: 2022-04-12. Review status: criteria provided, single submitter. Criteria: Invitae Variant Classification Sherloc (09022015). Collection method: clinical testing. Allele origin: germline.
Comment: This variant, c.23859_23864dup, results in the insertion of 2 amino acid(s) of the NEB protein (p.Lys7953_Glu7954dup), but otherwise preserves the integrity of the reading frame. This variant is present in population databases (rs778176240, gnomAD 0.02%). This variant has not been reported in the literature in individuals affected with NEB-related conditions. ClinVar contains an entry for this variant (Variation ID: 968990). Experimental studies and prediction algorithms are not available or were not evaluated, and the functional significance of this variant is currently unknown. In summary, the available evidence is currently insufficient to determine the role of this variant in disease. Therefore, it has been classified as a Variant of Uncertain Significance.

Natera, Inc.
Classification: Uncertain significance for Nemaline myopathy type 2. Last evaluated: 2021-02-04. Review status: no assertion criteria provided. Collection method: clinical testing. Allele origin: germline. Not counted in ClinVar's aggregate classification.

NM_001164508.2(NEB):c.23754_23759dup (p.Lys7918_Glu7919dup)

Genes: NEB (nebulin; minus strand), RIF1 (replication timing regulatory factor 1; plus strand). Cytogenetic location: 2q23.3.
Variant type: Duplication.
Coding change: c.23754_23759dup on transcript NM_001164508.2 (MANE Select); coding-DNA positions 23754 to 23759, 6 bases duplicated (AGAAAA; older notation c.23754_23759dupAGAAAA).
Protein change: p.Lys7918_Glu7919dup.
Molecular consequence: inframe insertion.
Genome position (GRCh38, 1-based): chr2:151,503,425-151,503,430, TTTTCT duplicated on the plus strand (AGAAAA on the coding strand, the reverse complement: NEB is on the minus strand); duplicating any 6 consecutive bases within chr2:151,503,425-151,503,432 gives the same sequence; the c. name uses the placement nearest the transcript's 3' end. VCF-style (leftmost placement, unchanged base first): chr2-151503424-G-GTTTTCT. GRCh37 (hg19) VCF-style: chr2-152359938-G-GTTTTCT.
Other names: c.23754_23759dup, p.Lys7918_Glu7919dup (NM_001164507.2); c.23859_23864dup, p.Lys7953_Glu7954dup (NM_001271208.2); c.18651_18656dup, p.Lys6217_Glu6218dup (NM_004543.5).
Identifiers: ClinVar variation 968990 (VCV000968990.14), dbSNP rs778176240, ClinGen allele CA1906249.